The following is an entry in ClinVar:

ClinVar aggregate classification (germline): Pathogenic (1 of 4 stars; one submission).

Conditions:
Landau-Kleffner syndrome (FESD). Also called: EPILEPSY, FOCAL, WITH SPEECH DISORDER AND WITH OR WITHOUT MENTAL RETARDATION; APHASIA, ACQUIRED, WITH EPILEPSY. Identifiers: Orphanet 1945, Orphanet 725, Orphanet 98818, MedGen C0282512, MONDO:0009509, OMIM 245570.

Submission:

Labcorp Genetics (formerly Invitae), Labcorp
Classification: Pathogenic for Landau-Kleffner syndrome. Last evaluated: 2025-12-26. Review status: criteria provided, single submitter. Criteria: Invitae Variant Classification Sherloc (09022015). Collection method: clinical testing. Allele origin: germline.
Comment: This sequence change creates a premature translational stop signal (p.Arg1443Glyfs*3) in the GRIN2A gene. While this is not anticipated to result in nonsense mediated decay, it is expected to disrupt the last 22 amino acid(s) of the GRIN2A protein. This variant is not present in population databases (gnomAD no frequency). This variant has not been reported in the literature in individuals affected with GRIN2A-related conditions. This variant disrupts a region of the GRIN2A protein in which other variant(s) (p.Ser1459Gly) have been determined to be pathogenic (PMID: 28554332, 32877683). This suggests that this is a clinically significant region of the protein, and that variants that disrupt it are likely to be disease-causing. For these reasons, this variant has been classified as Pathogenic.

Literature cited by the submitters: PubMed 28554332; PubMed 32877683.

NM_001134407.3(GRIN2A):c.4326del (p.Arg1443fs)

Gene: GRIN2A (glutamate ionotropic receptor NMDA type subunit 2A; minus strand). Cytogenetic location: 16p13.2.
Variant type: Deletion.
Coding change: c.4326del on transcript NM_001134407.3 (MANE Select); coding-DNA position 4326, one base deleted (C; older notation c.4326delC).
Protein change: p.Arg1443fs; shifts the reading frame from arginine 1443.
Molecular consequence: frameshift variant. On other transcripts: 3 prime UTR variant (1).
Genome position (GRCh38, 1-based): chr16:9,763,218, G deleted on the plus strand (C on the coding strand, the reverse complement: GRIN2A is on the minus strand); the first of 5 consecutive G bases (chr16:9,763,218-9,763,222); deleting any one gives the same sequence. VCF-style (leftmost placement, unchanged base first): chr16-9763217-TG-T. GRCh37 (hg19) VCF-style: chr16-9857074-TG-T.
Other names: c.4326del, p.Arg1443fs (NM_000833.5); c.*137del (NM_001134408.2); short protein forms R1443fs.
Identifiers: ClinVar variation 4732179 (VCV004732179.1).